The following is an entry in ClinVar:

ClinVar aggregate classification (germline): Pathogenic (1 of 4 stars; one submission).

Conditions:
Familial adenomatous polyposis 2. Also called: COLORECTAL ADENOMATOUS POLYPOSIS, AUTOSOMAL RECESSIVE; ADENOMAS, MULTIPLE COLORECTAL, AUTOSOMAL RECESSIVE; MUTYH-associated polyposis; MUTYH Polyposis; Adenomas, multiple colorectal; MUTYH-related attenuated familial adenomatous polyposis. Identifiers: Orphanet 220460, Orphanet 247798, MedGen C3272841, MONDO:0012041, OMIM 608456.

Submission:

Labcorp Genetics (formerly Invitae), Labcorp
Classification: Pathogenic for Familial adenomatous polyposis 2. Last evaluated: 2021-09-12. Review status: criteria provided, single submitter. Criteria: Invitae Variant Classification Sherloc (09022015). Collection method: clinical testing. Allele origin: germline.
Comment: For these reasons, this variant has been classified as Pathogenic. Experimental studies and prediction algorithms are not available or were not evaluated, and the functional significance of this variant is currently unknown. This variant has not been reported in the literature in individuals affected with MUTYH-related conditions. This variant is a gross deletion of the genomic region encompassing exon(s) 1 of the MUTYH gene, which includes the initiator codon. This deletion extends beyond the assayed region for this gene and therefore may encompass additional genes. It is expected to result in an absent or disrupted protein product. Loss-of-function variants in MUTYH are known to be pathogenic (PMID: 18534194, 20663686).

Literature cited by the submitters: PubMed 18534194; PubMed 20663686.

NC_000001.10:g.(?_45805881)_(45809328_?)del

Genes: MUTYH (mutY DNA glycosylase; minus strand), TOE1 (target of EGR1, exonuclease; plus strand). Cytogenetic location: 1p34.1.
Variant type: Deletion.
Identifiers: ClinVar variation 1455307 (VCV001455307.4).